The following is an entry in ClinVar:

ClinVar aggregate classification (germline): Uncertain significance (1 of 4 stars; one submission).

Allele frequency attached by ClinVar (database versions not stated): gnomAD 0.00002; gnomAD exomes 0.00002; TOPMed 0.00002.

Submission:

Labcorp Genetics (formerly Invitae), Labcorp
Classification: Uncertain significance. Last evaluated: 2022-09-13. Review status: criteria provided, single submitter. Criteria: Invitae Variant Classification Sherloc (09022015). Collection method: clinical testing. Allele origin: germline.
Comment: This sequence change creates a premature translational stop signal (p.Cys340Serfs*85) in the KISS1R gene. While this is not anticipated to result in nonsense mediated decay, it is expected to disrupt the last 59 amino acid(s) of the KISS1R protein. This variant is not present in population databases (gnomAD no frequency). This variant has not been reported in the literature in individuals affected with KISS1R-related conditions. Experimental studies and prediction algorithms are not available or were not evaluated, and the functional significance of this variant is currently unknown. In summary, the available evidence is currently insufficient to determine the role of this variant in disease. Therefore, it has been classified as a Variant of Uncertain Significance.

NM_032551.5(KISS1R):c.1019del (p.Cys340fs)

Gene: KISS1R (KISS1 receptor; plus strand). Cytogenetic location: 19p13.3.
Variant type: Deletion.
Coding change: c.1019del on transcript NM_032551.5 (MANE Select); coding-DNA position 1019, one base deleted (G; older notation c.1019delG).
Protein change: p.Cys340fs; shifts the reading frame from cysteine 340.
Molecular consequence: frameshift variant.
Genome position (GRCh38, 1-based): chr19:920,570, G deleted. VCF-style (leftmost placement, unchanged base first): chr19-920569-TG-T. GRCh37 (hg19) VCF-style: chr19-920569-TG-T.
Other names: short protein forms C340fs.
Identifiers: ClinVar variation 2065675 (VCV002065675.1), dbSNP rs2037111303, ClinGen allele CA992473367.
Genomic context (GRCh38, chr19:920,569, plus strand): 5'-CCGCTGCTCTACGCCTTCCTGGGCTCGCACTTCCGACAGGCCTTCCGCCGCGTCTGCCCC[TG>T]CGCGCCGCGCCGCCCCCGCCGCCCCCGCCGGCCCGGACCCTCGGACCCCGCAGCCCCACA-3'